The following is an entry in ClinVar:

NM_001001557.4(GDF6):c.1304C>T (p.Ala435Val)

Gene: GDF6 (growth differentiation factor 6; minus strand). Cytogenetic location: 8q22.1.
Variant type: single nucleotide variant.
Coding change: c.1304C>T on transcript NM_001001557.4 (MANE Select); coding-DNA position 1304, C replaced by T.
Protein change: p.Ala435Val; replaces alanine 435 with valine.
Molecular consequence: missense variant.
Genome position (GRCh38, 1-based): chr8:96,144,627, G>A on the plus strand (C>T on the coding strand, the complement: GDF6 is on the minus strand). VCF-style: chr8-96144627-G-A. GRCh37 (hg19) VCF-style: chr8-97156855-G-A.
Other names: short protein forms A435V.
Identifiers: ClinVar variation 364042 (VCV000364042.19), dbSNP rs140782427, ClinGen allele CA4815342.
Genomic context (GRCh38, chr8:96,144,627, plus strand): 5'-CTGCAGCCGCACGACTCCACCACCATGTCCTCGTACTGCTTGTAGACCACATTATTGCCC[G>A]CGTCGATGTATAGAATGCTGATGGGAGTCAATTTGGTGGGCACGCAGCAGCTGGGCGGGG-3'
Protein context (NP_001001557.1, residues 425-445): LTPISILYID[Ala435Val]GNNVVYKQYE

ClinVar aggregate classification (germline): Conflicting classifications of pathogenicity. Review status: criteria provided, conflicting classifications (1 of 4 stars). 5 submissions from 5 submitters: Uncertain significance (2); Benign (1); Likely benign (1). 1 of the submissions does not count toward it. Last evaluated 2026-02-01.

Conditions:
Klippel-Feil syndrome 1, autosomal dominant (KFS1). Also called: CERVICAL VERTEBRAL FUSION, AUTOSOMAL DOMINANT. Identifiers: Orphanet 2345, MedGen C1861689, MONDO:0007306, OMIM 118100.
Microphthalmia, isolated, with coloboma 6 (MCOPCB6). Also called: Microphthalmia with coloboma 6, digenic; Microphthalmia with coloboma 6; MICROPHTHALMIA/COLOBOMA 6. Identifiers: Orphanet 98938, MedGen C3150968, MONDO:0013376, OMIM 613703.
Isolated microphthalmia 4. Identifiers: Orphanet 2542, MedGen C2751307, MONDO:0013130, OMIM 613094.
Leber congenital amaurosis 17 (LCA17). Identifiers: Orphanet 65, MedGen C3715164, MONDO:0014145, OMIM 615360.
Multiple synostoses syndrome 4. Identifiers: MedGen C4693531, MONDO:0054752, OMIM 617898.

Allele frequency attached by ClinVar (database versions not stated): gnomAD 0.00014 and 0.00015; ESP Exome Variant Server 0.00015; TOPMed 0.00015; gnomAD exomes 0.00017 and 0.00018; ExAC 0.00019.
gnomAD v4.1: 287 of 1,614,020 alleles (0.018%); highest among the groups gnomAD compares: Middle Eastern, 0.36%; no homozygotes.

Submissions (5):

Labcorp Genetics (formerly Invitae), Labcorp
Classification: Benign for Isolated microphthalmia 4; Leber congenital amaurosis 17; Klippel-Feil syndrome 1, autosomal dominant; Microphthalmia, isolated, with coloboma 6. Last evaluated: 2026-02-01. Review status: criteria provided, single submitter. Criteria: Invitae Variant Classification Sherloc (09022015). Collection method: clinical testing. Allele origin: germline.

Department of Pathology and Laboratory Medicine, Sinai Health System
Classification: Uncertain significance for Multiple synostoses syndrome 4; Klippel-Feil syndrome 1, autosomal dominant; Leber congenital amaurosis 17; Microphthalmia, isolated, with coloboma 6; Isolated microphthalmia 4. Last evaluated: 2023-02-27. Review status: criteria provided, single submitter. Criteria: ACMG Guidelines, 2015. Collection method: research. Allele origin: germline.

UAEU Genomics Laboratory, United Arab Emirates University
Classification: Uncertain significance for Klippel-Feil syndrome 1, autosomal dominant. Last evaluated: 2021-12-30. Review status: criteria provided, single submitter. Criteria: ACMG Guidelines, 2015. Collection method: research. Allele origin: germline. Affected: yes. Observed: 1 variant allele.
Comment: The missense variant NM_001001557.4(GDF6):c.1304C>T(p.A435V) has not been reported previously as a pathogenic variant nor as a benign variant, to our knowledge. This variant is observed in 4/10046 (0.0398%) alleles from individuals of gnomAD Ashkenazi Jewish background in the gnomAD All dataset, but was not seen in the homozygous state. The alanine residue is moderately conserved and there is a small physicochemical difference between alanine and valine. The available evidence is insufficient to draw definitive conclusions about pathogenicity. Therefore, this variant has been classified as a Variant of Uncertain Significance.

Illumina Laboratory Services, Illumina
Classification: Likely benign for Klippel-Feil syndrome 1, autosomal dominant. Last evaluated: 2018-01-13. Review status: criteria provided, single submitter. Criteria: ICSL Variant Classification Criteria 13 December 2019. Collection method: clinical testing. Allele origin: germline.
Comment: This variant was observed in the ICSL laboratory as part of a predisposition screen in an ostensibly healthy population. It had not been previously curated by ICSL or reported in the Human Gene Mutation Database (HGMD: prior to June 1st, 2018), and was therefore a candidate for classification through an automated scoring system. Utilizing variant allele frequency, disease prevalence and penetrance estimates, and inheritance mode, an automated score was calculated to assess if this variant is too frequent to cause the disease. Based on the score and internal cut-off values, a variant classified as likely benign is not then subjected to further curation. The score for this variant resulted in a classification of likely benign for this disease.

Equipe Genetique des Anomalies du Developpement, Université de Bourgogne
Classification: Uncertain significance for Klippel-Feil syndrome 1, autosomal dominant. Last evaluated: 2022-10-21. Review status: no assertion criteria provided. Criteria: ACMG Guidelines, 2015. Collection method: clinical testing. Allele origin: unknown. Inheritance: Autosomal dominant inheritance. Affected: yes. Not counted in ClinVar's aggregate classification.